The following is an entry in ClinVar:

NM_001365088.1(SLC12A6):c.1202T>A (p.Val401Asp)

Gene: SLC12A6 (solute carrier family 12 member 6; minus strand). Cytogenetic location: 15q14.
Variant type: single nucleotide variant.
Coding change: c.1202T>A on transcript NM_001365088.1 (MANE Select); coding-DNA position 1202, T replaced by A.
Protein change: p.Val401Asp; replaces valine 401 with aspartic acid.
Molecular consequence: missense variant.
Genome position (GRCh38, 1-based): chr15:34,252,301, A>T on the plus strand (T>A on the coding strand, the complement: SLC12A6 is on the minus strand). VCF-style: chr15-34252301-A-T. GRCh37 (hg19) VCF-style: chr15-34544502-A-T.
Other names: c.1025T>A, p.Val342Asp (NM_001042494.2, NM_001042495.2); c.1175T>A, p.Val392Asp (NM_001042496.2); c.1157T>A, p.Val386Asp (NM_001042497.2); c.1049T>A, p.Val350Asp (NM_005135.2); c.1202T>A, p.Val401Asp (NM_133647.2); short protein forms V342D, V350D, V386D, V392D, V401D.
Identifiers: ClinVar variation 4292500 (VCV004292500.1).
Genomic context (GRCh38, chr15:34,252,301, plus strand): 5'-TCACAGGTGGCATTGAAAAATTGACTCGAGTTACAGAAGAATCCCCATAACTTTGATGGG[A>T]CTGTCATGTTGTTAATTTCCTTGGTCTTAGAGCAAACGTCAATGTGTCTTGATGAAAGGG-3'
Protein context (NP_001352017.1, residues 391-411): SKTKEINNMT[Val401Asp]PSKLWGFFCN

ClinVar aggregate classification (germline): Uncertain significance (1 of 4 stars; one submission).

Conditions:
Charcot-Marie-Tooth disease, axonal, IIa 2II. Also called: CHARCOT-MARIE-TOOTH NEUROPATHY, TYPE 2II; Charcot-Marie-Tooth disease, axonal, type 2II; Charcot-marie-tooth disease, axonal,IIa 2II. Identifiers: MedGen C5774227, MONDO:0031068, OMIM 620068.

gnomAD v4.1: 1 of 1,609,448 alleles (0.000062%); highest among the groups gnomAD compares: Non-Finnish European, 0.000085%; no homozygotes.

Submission:

3billion
Classification: Uncertain significance for Charcot-Marie-Tooth disease, axonal, IIa 2II. Last evaluated: 2024-06-25. Review status: criteria provided, single submitter. Criteria: ACMG Guidelines, 2015. Collection method: clinical testing. Allele origin: germline. Affected: yes.
Comment: The variant is observed at an extremely low frequency in the gnomAD v4.0.0 dataset (total allele frequency: <0.001%). Predicted Consequence/Location: The majority of the known disease-causing variants of this gene are variants expected to result in premature termination of the protein. In silico tool predictions suggest damaging effect of the variant on gene or gene product [3Cnet: 0.69 (>=0.6, sensitivity 0.72 and precision 0.9)]. Therefore, this variant is classified as VUS according to the recommendation of ACMG/AMP guideline.